The following is an entry in ClinVar:

ClinVar aggregate classification (germline): Pathogenic (1 of 4 stars; one submission).

Conditions:
Desmin-related myofibrillar myopathy (MFM1). Also called: MYOFIBRILLAR MYOPATHY WITH ARRHYTHMOGENIC RIGHT VENTRICULAR CARDIOMYOPATHY; DESMIN-RELATED MYOPATHY WITH ARRHYTHMOGENIC RIGHT VENTRICULAR CARDIOMYOPATHY; Myofibrillar myopathy 1; Desminopathy; Desmin related myopathy (former name); Desmin storage myopathy (former name). Identifiers: Orphanet 363543, Orphanet 98909, MedGen C1832370, MONDO:0011076, OMIM 601419.

Submission:

Labcorp Genetics (formerly Invitae), Labcorp
Classification: Pathogenic for Desmin-related myofibrillar myopathy. Last evaluated: 2023-01-13. Review status: criteria provided, single submitter. Criteria: Invitae Variant Classification Sherloc (09022015). Collection method: clinical testing. Allele origin: germline.
Comment: Algorithms developed to predict the effect of sequence changes on RNA splicing suggest that this variant may create or strengthen a splice site. For these reasons, this variant has been classified as Pathogenic. This variant has not been reported in the literature in individuals affected with DES-related conditions. This variant is not present in population databases (gnomAD no frequency). This sequence change creates a premature translational stop signal (p.Leu184Glyfs*12) in the DES gene. It is expected to result in an absent or disrupted protein product. Loss-of-function variants in DES are known to be pathogenic (PMID: 23575897).

Literature cited by the submitters: PubMed 23575897.

NM_001927.4(DES):c.549_564del (p.Leu184fs)

Gene: DES (desmin; plus strand). Cytogenetic location: 2q35.
Variant type: Deletion.
Coding change: c.549_564del on transcript NM_001927.4 (MANE Select); coding-DNA positions 549 to 564, 16 bases deleted (GCTCGACGACCTGCAG).
Protein change: p.Leu184fs; shifts the reading frame from leucine 184.
Molecular consequence: frameshift variant. On other transcripts: intron variant (1).
Genome position (GRCh38, 1-based): chr2:219,419,011-219,419,026, GCTCGACGACCTGCAG deleted. VCF-style (leftmost placement, unchanged base first): chr2-219419010-TGCTCGACGACCTGCAG-T. GRCh37 (hg19) VCF-style: chr2-220283732-TGCTCGACGACCTGCAG-T.
Other names: c.549_564del, p.Leu184fs (NM_001382708.1, NM_001382709.1, NM_001382710.1 and 2 more transcripts); c.495+54_495+69del (NM_001382713.1); short protein forms L184fs.
Identifiers: ClinVar variation 2943144 (VCV002943144.3), dbSNP rs2545248405, ClinGen allele CA2740096473.
Genomic context (GRCh38, chr2:219,419,010, plus strand): 5'-GGCGCCAGGTGGAGGTGCTCACTAACCAGCGCGCGCGCGTCGACGTCGAGCGCGACAACC[TGCTCGACGACCTGCAG>T]CGGCTCAAGGCCAAGTGAGGGCCCGGCACCCCAGACTCCTCTTTCTGCGGGCAGGGCACA-3'